The following is an entry in ClinVar:

NM_001370259.2(MEN1):c.1148T>C (p.Leu383Pro)

Gene: MEN1 (menin 1; minus strand). Cytogenetic location: 11q13.1.
Variant type: single nucleotide variant.
Coding change: c.1148T>C on transcript NM_001370259.2 (MANE Select); coding-DNA position 1148, T replaced by C.
Protein change: p.Leu383Pro; replaces leucine 383 with proline.
Molecular consequence: missense variant. On other transcripts: non-coding transcript variant (4).
Genome position (GRCh38, 1-based): chr11:64,805,672, A>G on the plus strand (T>C on the coding strand, the complement: MEN1 is on the minus strand). VCF-style: chr11-64805672-A-G. GRCh37 (hg19) VCF-style: chr11-64573144-A-G.
Other names: c.1163T>C, p.Leu388Pro (NM_000244.4, NM_001407145.1, NM_130800.3 and 4 more transcripts); c.1274T>C, p.Leu425Pro (NM_001370251.2, NM_001407142.1, NM_001407143.1 and 1 more transcripts); c.1148T>C, p.Leu383Pro (NM_001370260.2, NM_001370261.2, NM_001407146.1 and 3 more transcripts); c.1043T>C, p.Leu348Pro (NM_001370262.2, NM_001370263.2, NM_001407148.1 and 1 more transcripts); c.1289T>C, p.Leu430Pro (NM_001407150.1); c.1169T>C, p.Leu390Pro (NM_001407151.1); short protein forms L383P, L348P, L388P, L390P, L425P, L430P.
Identifiers: ClinVar variation 3294228 (VCV003294228.3).

ClinVar aggregate classification (germline): Uncertain significance. Review status: criteria provided, multiple submitters, no conflicts (2 of 4 stars). 2 submissions from 2 submitters: Uncertain significance (2). Last evaluated 2024-08-18.

Conditions:
Multiple endocrine neoplasia, type 1 (MEN1). Also called: MEN I; WERMER SYNDROME; Endocrine adenomatosis multiple; MEN 1; MEA I. Identifiers: Orphanet 652, MedGen C0025267, MeSH D018761, MONDO:0007540, OMIM 131100.
Hereditary cancer-predisposing syndrome. Also called: Neoplastic Syndromes, Hereditary; Hereditary neoplastic syndrome; Tumor predisposition; Hereditary Cancer Syndrome. Identifiers: Orphanet 140162, MedGen C0027672, MeSH D009386, MONDO:0015356.

Submissions (2):

Labcorp Genetics (formerly Invitae), Labcorp
Classification: Uncertain significance for Multiple endocrine neoplasia, type 1. Last evaluated: 2024-08-18. Review status: criteria provided, single submitter. Criteria: Invitae Variant Classification Sherloc (09022015). Collection method: clinical testing. Allele origin: germline.
Comment: This sequence change replaces leucine, which is neutral and non-polar, with proline, which is neutral and non-polar, at codon 383 of the MEN1 protein (p.Leu383Pro). This variant is not present in population databases (gnomAD no frequency). This variant has not been reported in the literature in individuals affected with MEN1-related conditions. Invitae Evidence Modeling of protein sequence and biophysical properties (such as structural, functional, and spatial information, amino acid conservation, physicochemical variation, residue mobility, and thermodynamic stability) has been performed for this missense variant. However, the output from this modeling did not meet the statistical confidence thresholds required to predict the impact of this variant on MEN1 protein function. In summary, the available evidence is currently insufficient to determine the role of this variant in disease. Therefore, it has been classified as a Variant of Uncertain Significance.

Ambry Genetics
Classification: Uncertain significance for Hereditary cancer-predisposing syndrome. Last evaluated: 2024-06-06. Review status: criteria provided, single submitter. Criteria: Ambry Variant Classification Scheme 2023. Collection method: clinical testing. Allele origin: germline.
Comment: The p.L383P variant (also known as c.1148T>C), located in coding exon 7 of the MEN1 gene, results from a T to C substitution at nucleotide position 1148. The leucine at codon 383 is replaced by proline, an amino acid with similar properties. This amino acid position is conserved. In addition, the in silico prediction for this alteration is inconclusive. Based on the available evidence, the clinical significance of this variant remains unclear.